The following is an entry in ClinVar:

ClinVar aggregate classification (germline): Uncertain significance. Review status: criteria provided, multiple submitters, no conflicts (2 of 4 stars). 2 submissions from 2 submitters: Uncertain significance (2). Last evaluated 2024-12-31.

Conditions:
Hereditary cancer-predisposing syndrome. Also called: Tumor predisposition; Hereditary Cancer Syndrome; Hereditary neoplastic syndrome; Neoplastic Syndromes, Hereditary. Identifiers: Orphanet 140162, MedGen C0027672, MeSH D009386, MONDO:0015356.
Familial cancer of breast. Also called: hereditary breast carcinoma; BREAST CANCER, FAMILIAL; Hereditary breast cancer. Identifiers: Orphanet 227535, MedGen C0346153, MONDO:0016419, OMIM 114480. Disease mechanism: loss of function.

Submissions (2):

Ambry Genetics
Classification: Uncertain significance for Hereditary cancer-predisposing syndrome. Last evaluated: 2024-12-31. Review status: criteria provided, single submitter. Criteria: Ambry Variant Classification Scheme 2023. Collection method: clinical testing. Allele origin: germline.
Comment: The p.T138I variant (also known as c.413C>T), located in coding exon 2 of the CHEK2 gene, results from a C to T substitution at nucleotide position 413. The threonine at codon 138 is replaced by isoleucine, an amino acid with similar properties. This variant was reported in 1/60,466 breast cancer cases and in 0/53,461 controls (Dorling et al. N Engl J Med. 2021 02;384:428-439). This variant was also identified in a cohort of 3,579 African males diagnosed with prostate cancer who underwent multi-gene panel testing of 19 DNA repair and cancer predisposition genes (Matejcic M et al. JCO Precis Oncol, 2020 Jan;4:32-43). This alteration was reported as functionally intermediate in a study assessing CHEK2-complementation through quantification of KAP1 phosphorylation and CHK2 autophosphorylation in human RPE1-CHEK2-knockout cells (Stolarova L et al. Clin Cancer Res, 2023 Aug;29:3037-3050). This amino acid position is well conserved in available vertebrate species. In addition, the in silico prediction for this alteration is inconclusive. Based on the available evidence, the clinical significance of this variant remains unclear.

Labcorp Genetics (formerly Invitae), Labcorp
Classification: Uncertain significance for Familial cancer of breast. Last evaluated: 2024-08-04. Review status: criteria provided, single submitter. Criteria: Invitae Variant Classification Sherloc (09022015). Collection method: clinical testing. Allele origin: germline.
Comment: This sequence change replaces threonine, which is neutral and polar, with isoleucine, which is neutral and non-polar, at codon 138 of the CHEK2 protein (p.Thr138Ile). This variant is not present in population databases (gnomAD no frequency). This variant has not been reported in the literature in individuals affected with CHEK2-related conditions. ClinVar contains an entry for this variant (Variation ID: 486835). An algorithm developed to predict the effect of missense changes on protein structure and function (PolyPhen-2) suggests that this variant is likely to be disruptive. In summary, the available evidence is currently insufficient to determine the role of this variant in disease. Therefore, it has been classified as a Variant of Uncertain Significance.

Literature cited by the submitters: PubMed 32832836 (cited by Ambry Genetics); PubMed 33471991 (cited by Ambry Genetics); PubMed 37449874 (cited by Ambry Genetics).

NM_007194.4(CHEK2):c.413C>T (p.Thr138Ile)

Gene: CHEK2 (checkpoint kinase 2; minus strand). Cytogenetic location: 22q12.1.
Variant type: single nucleotide variant.
Coding change: c.413C>T on transcript NM_007194.4 (MANE Select); coding-DNA position 413, C replaced by T.
Protein change: p.Thr138Ile; replaces threonine 138 with isoleucine.
Molecular consequence: missense variant.
Genome position (GRCh38, 1-based): chr22:28,725,274, G>A on the plus strand (C>T on the coding strand, the complement: CHEK2 is on the minus strand). VCF-style: chr22-28725274-G-A. GRCh37 (hg19) VCF-style: chr22-29121262-G-A.
Other names: c.542C>T, p.Thr181Ile (NM_001005735.3); c.-365C>T (NM_001257387.3); c.413C>T, p.Thr138Ile (NM_001349956.3, NM_145862.3); short protein forms T138I, T181I.
Identifiers: ClinVar variation 486835 (VCV000486835.15), dbSNP rs1555927196, ClinGen allele CA411107966.